The following is an entry in ClinVar:

NM_001376.5(DYNC1H1):c.10258G>A (p.Glu3420Lys)

Gene: DYNC1H1 (dynein cytoplasmic 1 heavy chain 1; plus strand). Cytogenetic location: 14q32.31.
Variant type: single nucleotide variant.
Coding change: c.10258G>A on transcript NM_001376.5 (MANE Select); coding-DNA position 10258, G replaced by A.
Protein change: p.Glu3420Lys; replaces glutamic acid 3420 with lysine.
Molecular consequence: missense variant.
Genome position (GRCh38, 1-based): chr14:102,033,329, G>A. VCF-style: chr14-102033329-G-A. GRCh37 (hg19) VCF-style: chr14-102499666-G-A.
Other names: short protein forms E3420K.
Identifiers: ClinVar variation 3346203 (VCV003346203.3).

ClinVar aggregate classification (germline): Uncertain significance. Review status: criteria provided, single submitter (1 of 4 stars). 2 submissions from 2 submitters: Uncertain significance (1). 1 of the submissions does not count toward it.

Conditions:
Charcot-Marie-Tooth disease axonal type 2O. Also called: Charcot-Marie-Tooth Neuropathy Type 2O; Charcot-Marie-Tooth disease, axonal, type 20; CHARCOT-MARIE-TOOTH NEUROPATHY, AXONAL, TYPE 2O; CHARCOT-MARIE-TOOTH DISEASE, AXONAL, AUTOSOMAL DOMINANT, TYPE 2O. Identifiers: Orphanet 284232, MedGen C3280220, MONDO:0013644, OMIM 614228.
Autosomal dominant childhood-onset proximal spinal muscular atrophy without contractures. Also called: KUGELBERG-WELANDER SYNDROME, AUTOSOMAL DOMINANT; Spinal muscular atrophy, lower extremity-predominant 1, AD; SPINAL MUSCULAR ATROPHY, CHILDHOOD, PROXIMAL, AUTOSOMAL DOMINANT; SPINAL MUSCULAR ATROPHY, JUVENILE, PROXIMAL, AUTOSOMAL DOMINANT. Identifiers: Orphanet 209341, Orphanet 363447, MedGen C5780022, MONDO:0008026, OMIM 158600.
Cortical dysplasia, complex, with other brain malformations 13. Also called: Intellectual disability, autosomal dominant 13. Identifiers: MedGen C3281202, MONDO:0013805, OMIM 614563.
DYNC1H1-related disorder. Also called: DYNC1H1-related condition; DYNC1H1-related disorders. Identifiers: MedGen CN381529.

Submissions (2):

Juno Genomics, Hangzhou Juno Genomics, Inc
Classification: Uncertain significance for Autosomal dominant childhood-onset proximal spinal muscular atrophy without contractures; Cortical dysplasia, complex, with other brain malformations 13; Charcot-Marie-Tooth disease axonal type 2O. Review status: criteria provided, single submitter. Criteria: ACMG Guidelines, 2015. Collection method: clinical testing. Allele origin: germline.
Comment: Absent from controls (or at extremely low frequency if recessive) in Genome Aggregation Database.;Missense variant in a gene that has a low rate of benign missense variation.;Multiple lines of computational evidence support a deleterious effect on the gene or gene product.

PreventionGenetics, part of Exact Sciences
Classification: Uncertain significance for DYNC1H1-related condition. Last evaluated: 2024-03-27. Review status: no assertion criteria provided. Collection method: clinical testing. Allele origin: germline. Not counted in ClinVar's aggregate classification.
Comment: The DYNC1H1 c.10258G>A variant is predicted to result in the amino acid substitution p.Glu3420Lys. To our knowledge, this variant has not been reported in the literature or in a large population database, indicating this variant is rare. At this time, the clinical significance of this variant is uncertain due to the absence of conclusive functional and genetic evidence.